The following is an entry in ClinVar:

NM_005458.8(GABBR2):c.1662+1G>A

Gene: GABBR2 (gamma-aminobutyric acid type B receptor subunit 2; minus strand). Cytogenetic location: 9q22.33.
Variant type: single nucleotide variant.
Coding change: c.1662+1G>A on transcript NM_005458.8 (MANE Select); the canonical splice donor site of the intron after coding-DNA position 1662, G replaced by A.
Molecular consequence: splice donor variant.
Genome position (GRCh38, 1-based): chr9:98,385,639, C>T on the plus strand (G>A on the coding strand, the complement: GABBR2 is on the minus strand). VCF-style: chr9-98385639-C-T. GRCh37 (hg19) VCF-style: chr9-101147921-C-T.
Identifiers: ClinVar variation 1023217 (VCV001023217.12), dbSNP rs1832058906, ClinGen allele CA374210788.

ClinVar aggregate classification (germline): Uncertain significance. Review status: criteria provided, multiple submitters, no conflicts (2 of 4 stars). 5 submissions from 5 submitters: Uncertain significance (5). Last evaluated 2024-07-29.

Conditions:
Neurodevelopmental disorder with poor language and loss of hand skills. Identifiers: MedGen C4693546, MONDO:0060659, OMIM 617903.
Developmental and epileptic encephalopathy, 59. Also called: Early infantile epileptic encephalopathy 59. Identifiers: MedGen C4693550, MONDO:0033368, OMIM 617904.
Epileptic encephalopathy. Identifiers: MedGen C0543888, HP:0200134.

Allele frequency attached by ClinVar (database versions not stated): gnomAD exomes below 0.00001; TOPMed below 0.00001.
gnomAD v4.1: 1 of 1,612,606 alleles (0.000062%); highest among the groups gnomAD compares: South Asian, 0.0011%; no homozygotes.

Submissions (5):

Labcorp Genetics (formerly Invitae), Labcorp
Classification: Uncertain significance for Epileptic encephalopathy. Last evaluated: 2024-07-29. Review status: criteria provided, single submitter. Criteria: Invitae Variant Classification Sherloc (09022015). Collection method: clinical testing. Allele origin: germline.
Comment: This sequence change affects a donor splice site in intron 11 of the GABBR2 gene. It is expected to disrupt RNA splicing. Variants that disrupt the donor or acceptor splice site typically lead to a loss of protein function (PMID: 16199547), however the current clinical and genetic evidence is not sufficient to establish whether loss-of-function variants in GABBR2 cause disease. This variant is not present in population databases (gnomAD no frequency). This variant has not been reported in the literature in individuals affected with GABBR2-related conditions. ClinVar contains an entry for this variant (Variation ID: 1023217). Algorithms developed to predict the effect of sequence changes on RNA splicing suggest that this variant may disrupt the consensus splice site. In summary, the available evidence is currently insufficient to determine the role of this variant in disease. Therefore, it has been classified as a Variant of Uncertain Significance.

GeneDx
Classification: Uncertain significance. Last evaluated: 2024-07-16. Review status: criteria provided, single submitter. Criteria: GeneDx Variant Classification Process June 2021. Collection method: clinical testing. Allele origin: germline. Affected: yes.
Comment: Canonical splice site variant in a gene or region of a gene for which loss of function is not a well-established mechanism of disease; Not observed at significant frequency in large population cohorts (gnomAD); Has not been previously published as pathogenic or benign to our knowledge

3billion
Classification: Uncertain significance for Neurodevelopmental disorder with poor language and loss of hand skills. Last evaluated: 2023-10-31. Review status: criteria provided, single submitter. Criteria: ACMG Guidelines, 2015. Collection method: clinical testing. Allele origin: germline. Affected: yes.
Comment: The variant is not observed in the gnomAD v2.1.1 dataset. Predicted Consequence/Location: Canonical splice site variant In silico tools predict the variant to alter splicing and produce an abnormal transcript. Therefore, this variant is classified as VUS according to the recommendation of ACMG/AMP guideline.

Clinical Genomics Laboratory, Washington University in St. Louis
Classification: Uncertain significance for Neurodevelopmental disorder with poor language and loss of hand skills; Developmental and epileptic encephalopathy, 59. Last evaluated: 2023-07-21. Review status: criteria provided, single submitter. Criteria: ACMG Guidelines, 2015. Collection method: clinical testing. Allele origin: germline.
Comment: The GABBR2 c.1662+1G>A variant, to our knowledge, has not been reported in the medical literature but has been reported in the ClinVar database as a germline variant of uncertain significance by two submitters. This variant is absent from the general population (gnomAD v.2.1.1), indicating it is not a common variant. This variant occurs within the canonical splice donor site, which is predicted to cause skipping of the exon, leading to an out of frame transcript. However, loss of function is not the known disease mechanism. Due to limited information, and based on ACMG/AMP guidelines for variant interpretation (Richards S et al., PMID: 25741868), the clinical significance of this variant is uncertain at this time.

Revvity Omics, Revvity
Classification: Uncertain significance. Last evaluated: 2021-10-29. Review status: criteria provided, single submitter. Criteria: ACMG Guidelines, 2015. Collection method: clinical testing. Allele origin: germline.

Literature cited by the submitters: PubMed 16199547 (cited by Labcorp Genetics (formerly Invitae), Labcorp).